The following is an entry in ClinVar:

NM_001164508.2(NEB):c.21466A>G (p.Ile7156Val)

Genes: NEB (nebulin; minus strand), RIF1 (replication timing regulatory factor 1; plus strand). Cytogenetic location: 2q23.3.
Variant type: single nucleotide variant.
Coding change: c.21466A>G on transcript NM_001164508.2 (MANE Select); coding-DNA position 21466, A replaced by G.
Protein change: p.Ile7156Val; replaces isoleucine 7156 with valine.
Molecular consequence: missense variant.
Genome position (GRCh38, 1-based): chr2:151,531,848, T>C on the plus strand (A>G on the coding strand, the complement: NEB is on the minus strand). VCF-style: chr2-151531848-T-C. GRCh37 (hg19) VCF-style: chr2-152388362-T-C.
Other names: c.16363A>G (NM_004543.4); c.21466A>G, p.Ile7156Val (NM_001164507.2); c.21571A>G, p.Ile7191Val (NM_001271208.2); c.16363A>G, p.Ile5455Val (NM_004543.5); short protein forms I5455V, I7156V, I7191V.
Identifiers: ClinVar variation 1303407 (VCV001303407.7), dbSNP rs745586435, ClinGen allele CA1906967.

ClinVar aggregate classification (germline): Conflicting classifications of pathogenicity. Review status: criteria provided, conflicting classifications (1 of 4 stars). 3 submissions from 3 submitters: Uncertain significance (1); Likely benign (2). Last evaluated 2025-10-07.

Conditions:
Inborn genetic diseases. Identifiers: MedGen C0950123, MeSH D030342.
Nemaline myopathy 2 (NEM2). Also called: Nemaline myopathy 2, autosomal recessive. Identifiers: MedGen C1850569, MONDO:0009725, OMIM 256030.

Allele frequency attached by ClinVar (database versions not stated): ExAC 0.00001; gnomAD 0.00001; gnomAD exomes 0.00002; TOPMed 0.00002.
gnomAD v4.1: 28 of 1,612,820 alleles (0.0017%); highest among the groups gnomAD compares: East Asian, 0.02%; 2 homozygotes.

Submissions (3):

Ambry Genetics
Classification: Likely benign for Inborn genetic diseases. Last evaluated: 2025-10-07. Review status: criteria provided, single submitter. Criteria: Ambry Variant Classification Scheme 2023. Collection method: clinical testing. Allele origin: germline.

Labcorp Genetics (formerly Invitae), Labcorp
Classification: Likely benign for Nemaline myopathy 2. Last evaluated: 2024-03-08. Review status: criteria provided, single submitter. Criteria: Invitae Variant Classification Sherloc (09022015). Collection method: clinical testing. Allele origin: germline.

GeneDx
Classification: Uncertain significance. Last evaluated: 2020-10-16. Review status: criteria provided, single submitter. Criteria: GeneDx Variant Classification Process June 2021. Collection method: clinical testing. Allele origin: germline. Affected: yes.
Comment: In silico analysis supports that this missense variant does not alter protein structure/function; Has not been previously published as pathogenic or benign to our knowledge